The following is an entry in ClinVar:

NM_001243133.2(NLRP3):c.2322-108T>C

Gene: NLRP3 (NLR family pyrin domain containing 3; plus strand). Cytogenetic location: 1q44.
Variant type: single nucleotide variant.
Coding change: c.2322-108T>C on transcript NM_001243133.2 (MANE Select); 108 bases into the intron before coding-DNA position 2322, T replaced by C.
Molecular consequence: intron variant.
Genome position (GRCh38, 1-based): chr1:247,433,995, T>C. VCF-style: chr1-247433995-T-C. GRCh37 (hg19) VCF-style: chr1-247597297-T-C.
Other names: c.2328-108T>C (NM_004895.5); c.2322-108T>C (NM_001127461.3, NM_001079821.3); c.2151-108T>C (NM_001127462.3, NM_183395.3).
Identifiers: ClinVar variation 2628243 (VCV002628243.2), dbSNP rs12143631, ClinGen allele CA40703529.

ClinVar aggregate classification (germline): Benign (1 of 4 stars; one submission).

Allele frequency attached by ClinVar (database versions not stated): gnomAD exomes 0.02207; gnomAD 0.03648.
gnomAD v4.1: 15,234 of 663,860 alleles (2.3%); highest among the groups gnomAD compares: Admixed American, 7.3%; 1,551 homozygotes.

Submission:

Unidad de Genómica Garrahan, Hospital de Pediatría Garrahan
Classification: Benign. Last evaluated: 2023-11-12. Review status: criteria provided, single submitter. Criteria: ACMG Guidelines, 2015. Collection method: clinical testing. Allele origin: germline. Affected: no. Observed: 28 variant alleles.
Comment: This variant is classified as Benign based on local population frequency. This variant was detected in 29% of patients studied by a panel of primary immunodeficiencies. Number of patients: 28. Only high quality variants are reported.